The following is an entry in ClinVar:

NM_012463.4(ATP6V0A2):c.2376G>A (p.Pro792=)

Gene: ATP6V0A2 (ATPase H+ transporting V0 subunit a2; plus strand). Cytogenetic location: 12q24.31.
Variant type: single nucleotide variant.
Coding change: c.2376G>A on transcript NM_012463.4 (MANE Select); coding-DNA position 2376, G replaced by A.
Protein change: p.Pro792=; no amino-acid change (proline 792 retained).
Molecular consequence: synonymous variant.
Genome position (GRCh38, 1-based): chr12:123,756,897, G>A. VCF-style: chr12-123756897-G-A. GRCh37 (hg19) VCF-style: chr12-124241444-G-A.
Identifiers: ClinVar variation 1022854 (VCV001022854.31), dbSNP rs571286312, ClinGen allele CA6862232.
Genomic context (GRCh38, chr12:123,756,897, plus strand): 5'-CATGCTGATGCGCGTGGGCCTCCGCGTTGACACCACCTATGGCGTCTTGCTACTGCTCCC[G>A]GTTATCGCGCTCTTTGCAGTTTTGACCATTTTCATCCTTCTGATCATGGAAGGGCTTTCT-3'
Protein context (NP_036595.2, residues 782-802): DTTYGVLLLL[Pro792=]VIALFAVLTI

ClinVar aggregate classification (germline): Likely benign. Review status: criteria provided, multiple submitters, no conflicts (2 of 4 stars). 3 submissions from 3 submitters: Likely benign (3). Last evaluated 2024-11-25.

Conditions:
ALG9 congenital disorder of glycosylation (CDG1L). Also called: CDG Il; ALG9-CDG; CONGENITAL DISORDER OF GLYCOSYLATION, TYPE Il. Identifiers: Orphanet 79328, MedGen C2931006, MONDO:0012117, OMIM 608776.

Allele frequency attached by ClinVar (database versions not stated): TOPMed 0.00001; ExAC 0.00002; gnomAD 0.00002; gnomAD exomes 0.00003.
gnomAD v4.1: 42 of 1,614,020 alleles (0.0026%); highest among the groups gnomAD compares: South Asian, 0.0033%; no homozygotes.

Submissions (3):

Blueprint Genetics
Classification: Likely benign. Last evaluated: 2024-11-25. Review status: criteria provided, single submitter. Criteria: ACMG Guidelines, 2015. Collection method: clinical testing. Allele origin: germline.

CeGaT Center for Human Genetics Tuebingen
Classification: Likely benign. Last evaluated: 2024-01-01. Review status: criteria provided, single submitter. Criteria: CeGaT Center For Human Genetics Tuebingen Variant Classification Criteria Version 2. Collection method: clinical testing. Allele origin: germline. Affected: yes. Observed: 1 variant allele.
Comment: ATP6V0A2: BP4, BP7

Labcorp Genetics (formerly Invitae), Labcorp
Classification: Likely benign for ALG9 congenital disorder of glycosylation. Last evaluated: 2023-09-09. Review status: criteria provided, single submitter. Criteria: Invitae Variant Classification Sherloc (09022015). Collection method: clinical testing. Allele origin: germline.